The following is an entry in ClinVar:

ClinVar aggregate classification (germline): Benign/Likely benign. Review status: criteria provided, multiple submitters, no conflicts (2 of 4 stars). 2 submissions from 2 submitters: Benign (1); Likely benign (1). Last evaluated 2025-05-28.

Conditions:
Tuberous sclerosis 2 (TSC2). Identifiers: Orphanet 805, MedGen C1860707, MONDO:0013199, OMIM 613254.

Submissions (2):

Myriad Genetics, Inc.
Classification: Benign for Tuberous sclerosis 2. Last evaluated: 2025-05-28. Review status: criteria provided, single submitter. Criteria: Myriad Autosomal Dominant, Autosomal Recessive and X-Linked Classification Criteria (2023). Collection method: clinical testing. Allele origin: unknown.
Comment: This variant is considered benign. This variant is a silent/synonymous amino acid change and it is not expected to impact splicing.

Labcorp Genetics (formerly Invitae), Labcorp
Classification: Likely benign for Tuberous sclerosis 2. Last evaluated: 2017-12-27. Review status: criteria provided, single submitter. Criteria: Invitae Variant Classification Sherloc (09022015). Collection method: clinical testing. Allele origin: germline.

NM_000548.5(TSC2):c.3336G>T (p.Leu1112=)

Gene: TSC2 (TSC complex subunit 2; plus strand). Cytogenetic location: 16p13.3.
Variant type: single nucleotide variant.
Coding change: c.3336G>T on transcript NM_000548.5 (MANE Select); coding-DNA position 3336, G replaced by T.
Protein change: p.Leu1112=; no amino-acid change (leucine 1112 retained).
Molecular consequence: synonymous variant.
Genome position (GRCh38, 1-based): chr16:2,079,608, G>T. VCF-style: chr16-2079608-G-T. GRCh37 (hg19) VCF-style: chr16-2129609-G-T.
Other names: c.3204G>T, p.Leu1068= (NM_001077183.3, NM_001370404.1); c.3336G>T, p.Leu1112= (NM_001114382.3); c.3096G>T, p.Leu1032= (NM_001318827.2); c.3060G>T, p.Leu1020= (NM_001318829.2); c.2604G>T, p.Leu868= (NM_001318831.2); c.3237G>T, p.Leu1079= (NM_001318832.2); c.3207G>T, p.Leu1069= (NM_001363528.2, NM_001370405.1, NM_021055.3).
Identifiers: ClinVar variation 536105 (VCV000536105.9), dbSNP rs1389714633, ClinGen allele CA492955280.